The following is an entry in ClinVar:

ClinVar aggregate classification (germline): Uncertain significance (1 of 4 stars; one submission).

Conditions:
Kabuki syndrome. Also called: NIIKAWA-KUROKI SYNDROME; Kabuki make-up syndrome. Identifiers: Orphanet 2322, MedGen C0796004, MONDO:0016512.

gnomAD v4.1: 1 of 1,608,594 alleles (0.000062%); no homozygotes.

Submission:

Labcorp Genetics (formerly Invitae), Labcorp
Classification: Uncertain significance for Kabuki syndrome. Last evaluated: 2024-05-08. Review status: criteria provided, single submitter. Criteria: Invitae Variant Classification Sherloc (09022015). Collection method: clinical testing. Allele origin: germline.
Comment: This sequence change replaces proline, which is neutral and non-polar, with alanine, which is neutral and non-polar, at codon 470 of the KMT2D protein (p.Pro470Ala). This variant is present in population databases (rs761594079, gnomAD 0.005%). This variant has not been reported in the literature in individuals affected with KMT2D-related conditions. Advanced modeling of protein sequence and biophysical properties (such as structural, functional, and spatial information, amino acid conservation, physicochemical variation, residue mobility, and thermodynamic stability) performed at Invitae indicates that this missense variant is not expected to disrupt KMT2D protein function with a negative predictive value of 95%. In summary, the available evidence is currently insufficient to determine the role of this variant in disease. Therefore, it has been classified as a Variant of Uncertain Significance.

NM_003482.4(KMT2D):c.1408C>G (p.Pro470Ala)

Gene: KMT2D (lysine methyltransferase 2D; minus strand). Cytogenetic location: 12q13.12.
Variant type: single nucleotide variant.
Coding change: c.1408C>G on transcript NM_003482.4 (MANE Select); coding-DNA position 1408, C replaced by G.
Protein change: p.Pro470Ala; replaces proline 470 with alanine.
Molecular consequence: missense variant.
Genome position (GRCh38, 1-based): chr12:49,052,275, G>C on the plus strand (C>G on the coding strand, the complement: KMT2D is on the minus strand). VCF-style: chr12-49052275-G-C. GRCh37 (hg19) VCF-style: chr12-49446058-G-C.
Other names: short protein forms P470A.
Identifiers: ClinVar variation 3635171 (VCV003635171.2).
Genomic context (GRCh38, chr12:49,052,275, plus strand): 5'-CCAGCGGCCGGGACAGGTGCAATGCCTCAGGAAGTGGGGATGCGGGCAATTCCTCAGGTG[G>C]TGGTGACAGGCGTGATGCCTCAGGTGGTGGGGACGTGGGTGATTCCTCAGGTGGTGGGGA-3'
Protein context (NP_003473.3, residues 460-480): PPPEASRLSP[Pro470Ala]PEELPASPLP